The following is an entry in ClinVar:

NM_001330700.2(TOP2B):c.4661A>T (p.Asn1554Ile)

Gene: TOP2B (DNA topoisomerase II beta; minus strand). Cytogenetic location: 3p24.2.
Variant type: single nucleotide variant.
Coding change: c.4661A>T on transcript NM_001330700.2 (MANE Select); coding-DNA position 4661, A replaced by T.
Protein change: p.Asn1554Ile; replaces asparagine 1554 with isoleucine.
Molecular consequence: missense variant.
Genome position (GRCh38, 1-based): chr3:25,599,484, T>A on the plus strand (A>T on the coding strand, the complement: TOP2B is on the minus strand). VCF-style: chr3-25599484-T-A. GRCh37 (hg19) VCF-style: chr3-25640975-T-A.
Other names: c.4646A>T, p.Asn1549Ile (NM_001068.3); short protein forms N1549I, N1554I.
Identifiers: ClinVar variation 3612091 (VCV003612091.2).

ClinVar aggregate classification (germline): Uncertain significance (1 of 4 stars; one submission).

Submission:

Labcorp Genetics (formerly Invitae), Labcorp
Classification: Uncertain significance. Last evaluated: 2024-08-28. Review status: criteria provided, single submitter. Criteria: Invitae Variant Classification Sherloc (09022015). Collection method: clinical testing. Allele origin: germline.
Comment: This sequence change replaces asparagine, which is neutral and polar, with isoleucine, which is neutral and non-polar, at codon 1549 of the TOP2B protein (p.Asn1549Ile). This variant is not present in population databases (gnomAD no frequency). This variant has not been reported in the literature in individuals affected with TOP2B-related conditions. An algorithm developed to predict the effect of missense changes on protein structure and function (PolyPhen-2) suggests that this variant is likely to be tolerated. In summary, the available evidence is currently insufficient to determine the role of this variant in disease. Therefore, it has been classified as a Variant of Uncertain Significance.